The following is an entry in ClinVar:

NM_001360.3(DHCR7):c.488A>G (p.His163Arg)

Gene: DHCR7 (7-dehydrocholesterol reductase; minus strand). Cytogenetic location: 11q13.4.
Variant type: single nucleotide variant.
Coding change: c.488A>G on transcript NM_001360.3 (MANE Select); coding-DNA position 488, A replaced by G.
Protein change: p.His163Arg; replaces histidine 163 with arginine.
Molecular consequence: missense variant.
Genome position (GRCh38, 1-based): chr11:71,441,365, T>C on the plus strand (A>G on the coding strand, the complement: DHCR7 is on the minus strand). VCF-style: chr11-71441365-T-C. GRCh37 (hg19) VCF-style: chr11-71152411-T-C.
Other names: c.488A>G, p.His163Arg (NM_001163817.2); short protein forms H163R.
Identifiers: ClinVar variation 2203124 (VCV002203124.2), dbSNP rs752494910, ClinGen allele CA6162551.
Genomic context (GRCh38, chr11:71,441,365, plus strand): 5'-CACCACAGCAGTGGGATCCAGTTGTCGAAGATGATGGTGGGCGAGAACCAGGACAGGAGA[T>C]GAGCGTTTGCAAACCAGAGCAGGTGCGTGAGGAGCCAGGCTTGCAGGCCATTGATCTGAT-3'
Protein context (NP_001351.2, residues 153-173): LTHLLWFANA[His163Arg]LLSWFSPTII

ClinVar aggregate classification (germline): Uncertain significance (1 of 4 stars; one submission).

Conditions:
Smith-Lemli-Opitz syndrome (SLOS). Also called: LETHAL ACRODYSGENITAL SYNDROME; POLYDACTYLY, SEX REVERSAL, RENAL HYPOPLASIA, AND UNILOBAR LUNG; RSH SYNDROME; RUTLEDGE LETHAL MULTIPLE CONGENITAL ANOMALY SYNDROME; 7-Dehydrocholesterol reductase deficiency. Identifiers: Orphanet 818, MedGen C0175694, MONDO:0010035, OMIM 270400.

Allele frequency attached by ClinVar (database versions not stated): gnomAD exomes 0.00001; TOPMed 0.00001; ExAC 0.00002.

Submission:

Labcorp Genetics (formerly Invitae), Labcorp
Classification: Uncertain significance for Smith-Lemli-Opitz syndrome. Last evaluated: 2025-11-17. Review status: criteria provided, single submitter. Criteria: Invitae Variant Classification Sherloc (09022015). Collection method: clinical testing. Allele origin: germline.
Comment: This sequence change replaces histidine, which is basic and polar, with arginine, which is basic and polar, at codon 163 of the DHCR7 protein (p.His163Arg). This variant is present in population databases (rs752494910, gnomAD 0.01%). This variant has not been reported in the literature in individuals affected with DHCR7-related conditions. ClinVar contains an entry for this variant (Variation ID: 2203124). Invitae Evidence Modeling of protein sequence and biophysical properties (such as structural, functional, and spatial information, amino acid conservation, physicochemical variation, residue mobility, and thermodynamic stability) indicates that this missense variant is not expected to disrupt DHCR7 protein function with a negative predictive value of 95%. In summary, the available evidence is currently insufficient to determine the role of this variant in disease. Therefore, it has been classified as a Variant of Uncertain Significance.